The following is an entry in ClinVar:

NM_001316309.2(WDR97):c.1203G>A (p.Leu401=)

Gene: WDR97 (WD repeat domain 97; plus strand). Cytogenetic location: 8q24.3.
Variant type: single nucleotide variant.
Coding change: c.1203G>A on transcript NM_001316309.2 (MANE Select); coding-DNA position 1203, G replaced by A.
Protein change: p.Leu401=; no amino-acid change (leucine 401 retained).
Molecular consequence: synonymous variant.
Genome position (GRCh38, 1-based): chr8:144,109,537, G>A. VCF-style: chr8-144109537-G-A. GRCh37 (hg19) VCF-style: chr8-145164440-G-A.
Identifiers: ClinVar variation 2658973 (VCV002658973.24), dbSNP rs2537361713, ClinGen allele CA463543568.

ClinVar aggregate classification (germline): Likely benign (1 of 4 stars; one submission).

Submission:

CeGaT Center for Human Genetics Tuebingen
Classification: Likely benign. Last evaluated: 2023-03-01. Review status: criteria provided, single submitter. Criteria: CeGaT Center For Human Genetics Tuebingen Variant Classification Criteria Version 2. Collection method: clinical testing. Allele origin: germline. Affected: yes. Observed: 1 variant allele.
Comment: WDR97: PM2:Supporting, BP4, BP7